The following is an entry in ClinVar:

ClinVar aggregate classification (germline): Uncertain significance (1 of 4 stars; one submission).

Conditions:
Isolated microphthalmia 5. Also called: Posterior Microphthalmia with Retinitis Pigmentosa, Foveoschisis, and Optic Disc Drusen. Identifiers: Orphanet 251279, MedGen C1970236, MONDO:0012605, OMIM 611040.

Allele frequency attached by ClinVar (database versions not stated): gnomAD exomes below 0.00001.
gnomAD v4.1: 2 of 1,613,848 alleles (0.00012%); highest among the groups gnomAD compares: Admixed American, 0.0017%; no homozygotes.

Submission:

Labcorp Genetics (formerly Invitae), Labcorp
Classification: Uncertain significance for Isolated microphthalmia 5. Last evaluated: 2022-06-08. Review status: criteria provided, single submitter. Criteria: Invitae Variant Classification Sherloc (09022015). Collection method: clinical testing. Allele origin: germline.
Comment: In summary, the available evidence is currently insufficient to determine the role of this variant in disease. Therefore, it has been classified as a Variant of Uncertain Significance. Algorithms developed to predict the effect of missense changes on protein structure and function output the following: SIFT: "Tolerated"; PolyPhen-2: "Benign"; Align-GVGD: "Class C0". The glutamine amino acid residue is found in multiple mammalian species, which suggests that this missense change does not adversely affect protein function. This variant has not been reported in the literature in individuals affected with MFRP-related conditions. This variant is present in population databases (no rsID available, gnomAD 0.003%). This sequence change replaces lysine, which is basic and polar, with glutamine, which is neutral and polar, at codon 129 of the MFRP protein (p.Lys129Gln).

NM_031433.4(MFRP):c.385A>C (p.Lys129Gln)

Genes: C1QTNF5 (C1q and TNF related 5; minus strand), MFRP (membrane frizzled-related protein; minus strand). Cytogenetic location: 11q23.3.
Variant type: single nucleotide variant.
Coding change: c.385A>C on transcript NM_031433.4 (MANE Select); coding-DNA position 385, A replaced by C.
Protein change: p.Lys129Gln; replaces lysine 129 with glutamine.
Molecular consequence: missense variant. On other transcripts: 5 prime UTR variant (1).
Genome position (GRCh38, 1-based): chr11:119,345,815, T>G on the plus strand (A>C on the coding strand, the complement: MFRP is on the minus strand). VCF-style: chr11-119345815-T-G. GRCh37 (hg19) VCF-style: chr11-119216525-T-G.
Other names: c.-2252A>C (NM_015645.5); short protein forms K129Q.
Identifiers: ClinVar variation 2049249 (VCV002049249.4), dbSNP rs1435418104, ClinGen allele CA382978802.